The following is an entry in ClinVar:

ClinVar aggregate classification (germline): Uncertain significance (1 of 4 stars; one submission).

Conditions:
MC3R-related disorder. Also called: MC3R-related condition.

Submission:

PreventionGenetics, part of Exact Sciences
Classification: Uncertain significance for MC3R-related condition. Last evaluated: 2025-06-12. Review status: criteria provided, single submitter. Criteria: ACMG Guidelines, 2015. Collection method: clinical testing. Allele origin: germline.
Comment: The MC3R c.31C>T variant is predicted to result in premature protein termination (p.Gln11*). This variant was reported in the heterozygous state in an individual with obesity (Kleinendorst et al. 2018. PubMed ID: 29970488). This variant is reported in 0.0018% of alleles in individuals of European (Non-Finnish) descent in gnomAD. At this time, the clinical significance of this variant is uncertain due to the absence of conclusive functional and genetic evidence.

NM_019888.3(MC3R):c.31C>T (p.Gln11Ter)

Gene: MC3R (melanocortin 3 receptor; plus strand). Cytogenetic location: 20q13.2.
Variant type: single nucleotide variant.
Coding change: c.31C>T on transcript NM_019888.3 (MANE Select); coding-DNA position 31, C replaced by T.
Protein change: p.Gln11Ter; replaces glutamine 11 with a stop codon.
Molecular consequence: nonsense.
Genome position (GRCh38, 1-based): chr20:56,248,874, C>T. VCF-style: chr20-56248874-C-T. GRCh37 (hg19) VCF-style: chr20-54823930-C-T.
Other names: short protein forms Q11*.
Identifiers: ClinVar variation 4977099 (VCV004977099.1).